The following is an entry in ClinVar:

NM_020207.7(ERCC6L2):c.2746G>A (p.Asp916Asn)

Gene: ERCC6L2 (ERCC excision repair 6 like 2; plus strand). Cytogenetic location: 9q22.32.
Variant type: single nucleotide variant.
Coding change: c.2746G>A on transcript NM_020207.7 (MANE Select); coding-DNA position 2746, G replaced by A.
Protein change: p.Asp916Asn; replaces aspartic acid 916 with asparagine.
Molecular consequence: missense variant. On other transcripts: non-coding transcript variant (1).
Genome position (GRCh38, 1-based): chr9:95,972,497, G>A. VCF-style: chr9-95972497-G-A. GRCh37 (hg19) VCF-style: chr9-98734779-G-A.
Other names: c.2746G>A, p.Asp916Asn (NM_001375291.1, NM_001375292.1, NM_001375293.1 and 1 more transcripts); short protein forms D916N.
Identifiers: ClinVar variation 1637653 (VCV001637653.9), dbSNP rs953232395, ClinGen allele CA196597586.
Genomic context (GRCh38, chr9:95,972,497, plus strand): 5'-ACAGAATCAGAAGATAGTGATGTCATCTGTCCTACACAATACACAACTGAGAGATTCCCC[G>A]ACAATAGTATAAGGTTTAAGCCACCCTTGGAAGGATCTGAGGATTCTGAAACAGAACACA-3'
Protein context (NP_064592.3, residues 906-926): PTQYTTERFP[Asp916Asn]NSIRFKPPLE

ClinVar aggregate classification (germline): Conflicting classifications of pathogenicity. Review status: criteria provided, conflicting classifications (1 of 4 stars). 2 submissions from 2 submitters: Uncertain significance (1); Likely benign (1). Last evaluated 2025-12-15.

Allele frequency attached by ClinVar (database versions not stated): gnomAD 0.00006 and 0.00007; gnomAD exomes 0.00008 and 0.00023; TOPMed 0.00008.
gnomAD v4.1: 99 of 1,289,810 alleles (0.0077%); highest among the groups gnomAD compares: Admixed American, 0.062%; 1 homozygote.

Submissions (2):

Labcorp Genetics (formerly Invitae), Labcorp
Classification: Likely benign. Last evaluated: 2025-12-15. Review status: criteria provided, single submitter. Criteria: Invitae Variant Classification Sherloc (09022015). Collection method: clinical testing. Allele origin: germline.

GeneDx
Classification: Uncertain significance. Last evaluated: 2022-11-18. Review status: criteria provided, single submitter. Criteria: GeneDx Variant Classification Process June 2021. Collection method: clinical testing. Allele origin: germline. Affected: yes.
Comment: Has not been previously reported in peer-reviewed literature as pathogenic or benign to our knowledge. However, in a thesis by Garcia (2021), this variant was observed with a second ERCC6L2 variant in a patient with neurodevelopmental disorder, congenital anomalies, and dysmorphic features. This patient was also noted to have variants in another gene that may have also contributed to the phenotype; In silico analysis supports that this missense variant does not alter protein structure/function; This variant is associated with the following publications: (PMID: Garcia_2021_Thesis)